The following is an entry in ClinVar:

NM_145698.5(ACBD5):c.181+1G>A

Genes: ACBD5 (acyl-CoA binding domain containing 5; minus strand), LOC130003557 (ATAC-STARR-seq lymphoblastoid active region 3182; plus strand). Cytogenetic location: 10p12.1.
Variant type: single nucleotide variant.
Coding change: c.181+1G>A on transcript NM_145698.5 (MANE Select); the canonical splice donor site of the intron after coding-DNA position 181, G replaced by A.
Molecular consequence: splice donor variant.
Genome position (GRCh38, 1-based): chr10:27,240,318, C>T on the plus strand (G>A on the coding strand, the complement: ACBD5 is on the minus strand). VCF-style: chr10-27240318-C-T. GRCh37 (hg19) VCF-style: chr10-27529247-C-T.
Other names: c.181+1G>A (NM_001352588.1, NM_001352573.1, NM_001352581.1 and 2 more transcripts); c.175+1G>A (NM_001352587.1, NM_001271512.3, NM_001352586.1 and 1 more transcripts); c.-26+1G>A (NM_001301254.2, NM_001301252.2, NM_001352583.1 and 4 more transcripts); c.76+1G>A (NM_001042473.4, NM_001352574.2, NM_001352578.2 and 6 more transcripts); c.202+1G>A (NM_001352572.1, NM_001352568.1).
Identifiers: ClinVar variation 1969898 (VCV001969898.5), dbSNP rs1488711963, ClinGen allele CA376378570.

ClinVar aggregate classification (germline): Likely pathogenic (1 of 4 stars; one submission).

Allele frequency attached by ClinVar (database versions not stated): gnomAD exomes 0.00001.
gnomAD v4.1: 3 of 1,614,092 alleles (0.00019%); highest among the groups gnomAD compares: Admixed American, 0.005%; no homozygotes.

Submission:

Labcorp Genetics (formerly Invitae), Labcorp
Classification: Likely pathogenic. Last evaluated: 2024-12-09. Review status: criteria provided, single submitter. Criteria: Invitae Variant Classification Sherloc (09022015). Collection method: clinical testing. Allele origin: germline.
Comment: This sequence change affects a donor splice site in intron 2 of the ACBD5 gene. It is expected to disrupt RNA splicing. Variants that disrupt the donor or acceptor splice site typically lead to a loss of protein function (PMID: 16199547), and loss-of-function variants in ACBD5 are known to be pathogenic (PMID: 23105016, 27799409). This variant is present in population databases (no rsID available, gnomAD 0.009%). This variant has not been reported in the literature in individuals affected with ACBD5-related conditions. ClinVar contains an entry for this variant (Variation ID: 1969898). Algorithms developed to predict the effect of sequence changes on RNA splicing suggest that this variant may disrupt the consensus splice site. In summary, the currently available evidence indicates that the variant is pathogenic, but additional data are needed to prove that conclusively. Therefore, this variant has been classified as Likely Pathogenic.

Literature cited by the submitters: PubMed 16199547; PubMed 23105016; PubMed 27799409.